The following is an entry in ClinVar:

ClinVar aggregate classification (germline): Uncertain significance (1 of 4 stars; one submission).

Submission:

GeneDx
Classification: Uncertain significance. Last evaluated: 2025-02-24. Review status: criteria provided, single submitter. Criteria: GeneDx Variant Classification Process June 2021. Collection method: clinical testing. Allele origin: germline. Affected: yes.
Comment: Not observed at significant frequency in large population cohorts (gnomAD); In silico analysis indicates that this missense variant does not alter protein structure/function; Has not been previously published as pathogenic or benign to our knowledge

NM_031407.7(HUWE1):c.10442C>G (p.Ser3481Cys)

Gene: HUWE1 (HECT, UBA and WWE domain containing E3 ubiquitin protein ligase 1; minus strand). Cytogenetic location: Xp11.22.
Variant type: single nucleotide variant.
Coding change: c.10442C>G on transcript NM_031407.7 (MANE Select); coding-DNA position 10442, C replaced by G.
Protein change: p.Ser3481Cys; replaces serine 3481 with cysteine.
Molecular consequence: missense variant.
Genome position (GRCh38, 1-based): chrX:53,547,867, G>C on the plus strand (C>G on the coding strand, the complement: HUWE1 is on the minus strand). VCF-style: chrX-53547867-G-C. GRCh37 (hg19) VCF-style: chrX-53574828-G-C.
Other names: c.10439C>G, p.Ser3480Cys (NM_001441048.1, NM_001441051.1, NM_001441053.1 and 2 more transcripts); c.10442C>G, p.Ser3481Cys (NM_001441049.1, NM_001441054.1, NM_001441057.1); c.10463C>G, p.Ser3488Cys (NM_001441050.1, NM_001441055.1); c.10040C>G, p.Ser3347Cys (NM_001441052.1); short protein forms S3347C, S3480C, S3481C, S3488C.
Identifiers: ClinVar variation 4076926 (VCV004076926.1).